The following is an entry in ClinVar:

NM_001844.5(COL2A1):c.2409+5G>T

Gene: COL2A1 (collagen type II alpha 1 chain; minus strand). Cytogenetic location: 12q13.11.
Variant type: single nucleotide variant.
Coding change: c.2409+5G>T on transcript NM_001844.5 (MANE Select); 5 bases into the intron after coding-DNA position 2409, G replaced by T.
Molecular consequence: intron variant.
Genome position (GRCh38, 1-based): chr12:47,981,771, C>A on the plus strand (G>T on the coding strand, the complement: COL2A1 is on the minus strand). VCF-style: chr12-47981771-C-A. GRCh37 (hg19) VCF-style: chr12-48375554-C-A.
Other names: c.2202+5G>T (NM_033150.3).
Identifiers: ClinVar variation 4770073 (VCV004770073.1).
Genomic context (GRCh38, chr12:47,981,771, plus strand): 5'-GCAGGAGATAAGAAGGAGGTGTGACAGGGAGGCAAGGTGTGGAGAGGAAAGGAGCCGGGA[C>A]TCACCTTCTCGCCATTAGCACCAGCTGGGCCAGGGGGGCCAATGGGACCTGTCAGGCCCT-3'

ClinVar aggregate classification (germline): Uncertain significance (1 of 4 stars; one submission).

gnomAD v4.1: 7 of 1,553,130 alleles (0.00045%); highest among the groups gnomAD compares: Non-Finnish European, 0.00061%; no homozygotes.

Submission:

Labcorp Genetics (formerly Invitae), Labcorp
Classification: Uncertain significance. Last evaluated: 2025-12-11. Review status: criteria provided, single submitter. Criteria: Invitae Variant Classification Sherloc (09022015). Collection method: clinical testing. Allele origin: germline.
Comment: This sequence change falls in intron 36 of the COL2A1 gene. It does not directly change the encoded amino acid sequence of the COL2A1 protein. It affects a nucleotide within the consensus splice site. This variant is not present in population databases (gnomAD no frequency). This variant has not been reported in the literature in individuals affected with COL2A1-related conditions. Variants that disrupt the consensus splice site are a relatively common cause of aberrant splicing (PMID: 17576681, 9536098). Algorithms developed to predict the effect of sequence changes on RNA splicing suggest that this variant may disrupt the consensus splice site. In summary, the available evidence is currently insufficient to determine the role of this variant in disease. Therefore, it has been classified as a Variant of Uncertain Significance.

Literature cited by the submitters: PubMed 17576681; PubMed 9536098.